The following is an entry in ClinVar:

ClinVar aggregate classification (germline): Uncertain significance (1 of 4 stars; one submission).

Conditions:
Hereditary spastic paraplegia 73. Also called: Spastic paraplegia 73, autosomal dominant. Identifiers: Orphanet 444099, MedGen C5568981, MONDO:0014568, OMIM 616282.

Allele frequency attached by ClinVar (database versions not stated): ExAC 0.00001.
gnomAD v4.1: 5 of 1,613,722 alleles (0.00031%); highest among the groups gnomAD compares: Admixed American, 0.0033%; no homozygotes.

Submission:

Labcorp Genetics (formerly Invitae), Labcorp
Classification: Uncertain significance for Hereditary spastic paraplegia 73. Last evaluated: 2022-05-26. Review status: criteria provided, single submitter. Criteria: Invitae Variant Classification Sherloc (09022015). Collection method: clinical testing. Allele origin: germline.
Comment: This variant has not been reported in the literature in individuals affected with CPT1C-related conditions. This variant is present in population databases (rs140642411, gnomAD 0.006%). This sequence change replaces valine, which is neutral and non-polar, with isoleucine, which is neutral and non-polar, at codon 602 of the CPT1C protein (p.Val602Ile). Algorithms developed to predict the effect of missense changes on protein structure and function are either unavailable or do not agree on the potential impact of this missense change (SIFT: "Deleterious"; PolyPhen-2: "Probably Damaging"; Align-GVGD: "Class C0"). In summary, the available evidence is currently insufficient to determine the role of this variant in disease. Therefore, it has been classified as a Variant of Uncertain Significance.

NM_001199753.2(CPT1C):c.1837G>A (p.Val613Ile)

Gene: CPT1C (carnitine palmitoyltransferase 1C; plus strand). Cytogenetic location: 19q13.33.
Variant type: single nucleotide variant.
Coding change: c.1837G>A on transcript NM_001199753.2 (MANE Select); coding-DNA position 1837, G replaced by A.
Protein change: p.Val613Ile; replaces valine 613 with isoleucine.
Molecular consequence: missense variant. On other transcripts: non-coding transcript variant (1), intron variant (3).
Genome position (GRCh38, 1-based): chr19:49,710,828, G>A. VCF-style: chr19-49710828-G-A. GRCh37 (hg19) VCF-style: chr19-50214085-G-A.
Other names: c.1804G>A, p.Val602Ile (NM_001136052.3, NM_001378485.1); c.1837G>A, p.Val613Ile (NM_001199752.3, NM_001378483.1, NM_001378484.1 and 1 more transcripts); c.1903G>A, p.Val635Ile (NM_001378482.1); c.1731+344G>A (NM_001378486.1, NM_001378488.1); c.1698+344G>A (NM_001378487.1); short protein forms V613I, V635I, V602I.
Identifiers: ClinVar variation 2166646 (VCV002166646.4), dbSNP rs140642411, ClinGen allele CA9582336.